The following is an entry in ClinVar:

ClinVar aggregate classification (germline): Conflicting classifications of pathogenicity. Review status: criteria provided, conflicting classifications (1 of 4 stars). 3 submissions from 3 submitters: Uncertain significance (2); Likely benign (1). Last evaluated 2025-10-05.

Allele frequency attached by ClinVar (database versions not stated): ExAC 0.00002; gnomAD 0.00015; TOPMed 0.00019; 1000 Genomes Project 0.00020; 1000 Genomes Project 30x 0.00031.
gnomAD v4.1: 41 of 1,614,196 alleles (0.0025%); highest among the groups gnomAD compares: African/African-American, 0.045%; no homozygotes.

Submissions (3):

Labcorp Genetics (formerly Invitae), Labcorp
Classification: Uncertain significance. Last evaluated: 2025-10-05. Review status: criteria provided, single submitter. Criteria: Invitae Variant Classification Sherloc (09022015). Collection method: clinical testing. Allele origin: germline.
Comment: This sequence change replaces isoleucine, which is neutral and non-polar, with leucine, which is neutral and non-polar, at codon 229 of the RGR protein (p.Ile229Leu). This variant is present in population databases (rs540094720, gnomAD 0.03%). This variant has not been reported in the literature in individuals affected with RGR-related conditions. ClinVar contains an entry for this variant (Variation ID: 936898). An algorithm developed to predict the effect of missense changes on protein structure and function outputs the following: PolyPhen-2: "Not Available". The leucine amino acid residue is found in multiple mammalian species, which suggests that this missense change does not adversely affect protein function. In summary, the available evidence is currently insufficient to determine the role of this variant in disease. Therefore, it has been classified as a Variant of Uncertain Significance.

Blueprint Genetics
Classification: Uncertain significance. Last evaluated: 2024-09-09. Review status: criteria provided, single submitter. Criteria: ACMG Guidelines, 2015. Collection method: clinical testing. Allele origin: germline.

Ambry Genetics
Classification: Likely benign. Last evaluated: 2024-05-09. Review status: criteria provided, single submitter. Criteria: Ambry Variant Classification Scheme 2023. Collection method: clinical testing. Allele origin: germline.

NM_001012720.2(RGR):c.685A>C (p.Ile229Leu)

Gene: RGR (retinal G protein coupled receptor; plus strand). Cytogenetic location: 10q23.1.
Variant type: single nucleotide variant.
Coding change: c.685A>C on transcript NM_001012720.2 (MANE Select); coding-DNA position 685, A replaced by C.
Protein change: p.Ile229Leu; replaces isoleucine 229 with leucine.
Molecular consequence: missense variant. On other transcripts: intron variant (1).
Genome position (GRCh38, 1-based): chr10:84,257,947, A>C. VCF-style: chr10-84257947-A-C. GRCh37 (hg19) VCF-style: chr10-86017703-A-C.
Other names: c.697A>C, p.Ile233Leu (NM_002921.4); c.631-561A>C (NM_001012722.2); short protein forms I229L, I233L.
Identifiers: ClinVar variation 936898 (VCV000936898.12), dbSNP rs540094720, ClinGen allele CA5581544.